The following is an entry in ClinVar:

ClinVar aggregate classification (germline): Uncertain significance (1 of 4 stars; one submission).

Conditions:
Familial cancer of breast. Also called: hereditary breast carcinoma; Hereditary breast cancer; BREAST CANCER, FAMILIAL. Identifiers: Orphanet 227535, MedGen C0346153, MONDO:0016419, OMIM 114480. Disease mechanism: loss of function.

Submission:

Labcorp Genetics (formerly Invitae), Labcorp
Classification: Uncertain significance for Familial cancer of breast. Last evaluated: 2021-03-01. Review status: criteria provided, single submitter. Criteria: Invitae Variant Classification Sherloc (09022015). Collection method: clinical testing. Allele origin: germline.
Comment: In summary, the available evidence is currently insufficient to determine the role of this variant in disease. Therefore, it has been classified as a Variant of Uncertain Significance. A copy number gain of exons 12-13 has not been reported in the literature in individuals with PALB2-related disease. This variant results in a copy number gain of the genomic region encompassing exons 12 and 13 of the PALB2 gene. The 5' boundary is likely confined to intron 11. The 3' end of this event is unknown as it extends beyond the assayed region for this gene and therefore may encompass additional genes. As the precise location of this event is unknown, it may be in tandem or it may be located elsewhere in the genome.

NC_000016.9:g.(?_23614634)_(23619343_?)dup

Gene: PALB2 (partner and localizer of BRCA2; minus strand). Cytogenetic location: 16p12.2.
Variant type: Duplication.
Identifiers: ClinVar variation 1446202 (VCV001446202.5).